The following is an entry in ClinVar:

ClinVar aggregate classification (germline): Uncertain significance. Review status: criteria provided, multiple submitters, no conflicts (2 of 4 stars). 2 submissions from 2 submitters: Uncertain significance (2). Last evaluated 2025-11-18.

Conditions:
Primary dilated cardiomyopathy (DCM). Also called: Dilated Cardiomyopathy. Identifiers: Orphanet 217604, MedGen C0007193, MeSH D002311, MONDO:0005021, HP:0001644. Inheritance: Various modes of inheritance.

Allele frequency attached by ClinVar (database versions not stated): gnomAD 0.00001; TOPMed 0.00001.
gnomAD v4.1: 6 of 1,613,996 alleles (0.00037%); highest among the groups gnomAD compares: Non-Finnish European, 0.00051%; no homozygotes.

Submissions (2):

Ambry Genetics
Classification: Uncertain significance. Last evaluated: 2025-11-18. Review status: criteria provided, single submitter. Criteria: Ambry Variant Classification Scheme 2023. Collection method: clinical testing. Allele origin: germline.
Comment: The p.S684R variant (also known as c.2050A>C), located in coding exon 20 of the NEBL gene, results from an A to C substitution at nucleotide position 2050. The serine at codon 684 is replaced by arginine, an amino acid with dissimilar properties. This amino acid position is conserved. In addition, this alteration is predicted to be deleterious by in silico analysis. Since supporting evidence is limited at this time, the clinical significance of this alteration remains unclear.

Labcorp Genetics (formerly Invitae), Labcorp
Classification: Uncertain significance for Primary dilated cardiomyopathy. Last evaluated: 2024-11-04. Review status: criteria provided, single submitter. Criteria: Invitae Variant Classification Sherloc (09022015). Collection method: clinical testing. Allele origin: germline.
Comment: This sequence change replaces serine, which is neutral and polar, with arginine, which is basic and polar, at codon 684 of the NEBL protein (p.Ser684Arg). This variant is present in population databases (no rsID available, gnomAD 0.002%). This variant has not been reported in the literature in individuals affected with NEBL-related conditions. ClinVar contains an entry for this variant (Variation ID: 1785060). An algorithm developed to predict the effect of missense changes on protein structure and function (PolyPhen-2) suggests that this variant is likely to be disruptive. In summary, the available evidence is currently insufficient to determine the role of this variant in disease. Therefore, it has been classified as a Variant of Uncertain Significance.

NM_006393.3(NEBL):c.2050A>C (p.Ser684Arg)

Gene: NEBL (nebulette; minus strand). Cytogenetic location: 10p12.31.
Variant type: single nucleotide variant.
Coding change: c.2050A>C on transcript NM_006393.3 (MANE Select); coding-DNA position 2050, A replaced by C.
Protein change: p.Ser684Arg; replaces serine 684 with arginine.
Molecular consequence: missense variant. On other transcripts: intron variant (9).
Genome position (GRCh38, 1-based): chr10:20,819,429, T>G on the plus strand (A>C on the coding strand, the complement: NEBL is on the minus strand). VCF-style: chr10-20819429-T-G. GRCh37 (hg19) VCF-style: chr10-21108358-T-G.
Other names: c.250-6489A>C (NM_001377326.1, NM_001377327.1, NM_001377328.1); c.358-6489A>C (NM_213569.2, NM_001173484.2, NM_001377322.1); c.301-6489A>C (NM_001377324.1); c.292-6489A>C (NM_001377325.1); c.310-6489A>C (NM_001377323.1); short protein forms S684R.
Identifiers: ClinVar variation 1785060 (VCV001785060.6), dbSNP rs1270239939, ClinGen allele CA376094240.